The following is an entry in ClinVar:

NM_033109.5(PNPT1):c.1913C>G (p.Thr638Ser)

Gene: PNPT1 (polyribonucleotide nucleotidyltransferase 1; minus strand). Cytogenetic location: 2p16.1.
Variant type: single nucleotide variant.
Coding change: c.1913C>G on transcript NM_033109.5 (MANE Select); coding-DNA position 1913, C replaced by G.
Protein change: p.Thr638Ser; replaces threonine 638 with serine.
Molecular consequence: missense variant.
Genome position (GRCh38, 1-based): chr2:55,643,419, G>C on the plus strand (C>G on the coding strand, the complement: PNPT1 is on the minus strand). VCF-style: chr2-55643419-G-C. GRCh37 (hg19) VCF-style: chr2-55870554-G-C.
Other names: c.1913C>G (NM_033109.4, NM_033109.3); short protein forms T638S.
Identifiers: ClinVar variation 1501227 (VCV001501227.7), dbSNP rs375324746, ClinGen allele CA1667872.

ClinVar aggregate classification (germline): Uncertain significance. Review status: criteria provided, multiple submitters, no conflicts (2 of 4 stars). 3 submissions from 3 submitters: Uncertain significance (3). Last evaluated 2026-06-05.

Conditions:
PNPT1-related disorder. Also called: PNPT1-related condition; PNPT1-related disorders.
Inborn genetic diseases. Identifiers: MedGen C0950123, MeSH D030342.

Allele frequency attached by ClinVar (database versions not stated): ESP Exome Variant Server 0.00008; TOPMed 0.00002; gnomAD 0.00003.
gnomAD v4.1: 5 of 1,613,480 alleles (0.00031%); highest among the groups gnomAD compares: Non-Finnish European, 0.00042%; no homozygotes.

Submissions (3):

PreventionGenetics, part of Exact Sciences
Classification: Uncertain significance for PNPT1-related condition. Last evaluated: 2026-06-05. Review status: criteria provided, single submitter. Criteria: ACMG Guidelines, 2015. Collection method: clinical testing. Allele origin: germline.
Comment: The PNPT1 c.1913C>G variant is predicted to result in the amino acid substitution p.Thr638Ser. To our knowledge, this variant has not been reported in the literature. This variant is reported in 0.0015% of alleles in individuals of European (Non-Finnish) descent in gnomAD. At this time, the clinical significance of this variant is uncertain due to the absence of conclusive functional and genetic evidence.

Ambry Genetics
Classification: Uncertain significance for Inborn genetic diseases. Last evaluated: 2025-10-14. Review status: criteria provided, single submitter. Criteria: Ambry Variant Classification Scheme 2023. Collection method: clinical testing. Allele origin: germline.

Labcorp Genetics (formerly Invitae), Labcorp
Classification: Uncertain significance. Last evaluated: 2025-01-27. Review status: criteria provided, single submitter. Criteria: Invitae Variant Classification Sherloc (09022015). Collection method: clinical testing. Allele origin: germline.
Comment: This sequence change replaces threonine, which is neutral and polar, with serine, which is neutral and polar, at codon 638 of the PNPT1 protein (p.Thr638Ser). This variant is present in population databases (rs375324746, gnomAD 0.002%). This variant has not been reported in the literature in individuals affected with PNPT1-related conditions. ClinVar contains an entry for this variant (Variation ID: 1501227). Invitae Evidence Modeling of protein sequence and biophysical properties (such as structural, functional, and spatial information, amino acid conservation, physicochemical variation, residue mobility, and thermodynamic stability) indicates that this missense variant is not expected to disrupt PNPT1 protein function with a negative predictive value of 80%. In summary, the available evidence is currently insufficient to determine the role of this variant in disease. Therefore, it has been classified as a Variant of Uncertain Significance.